The following is an entry in ClinVar:

NM_000540.3(RYR1):c.13898T>C (p.Leu4633Pro)

Gene: RYR1 (ryanodine receptor 1; plus strand). Cytogenetic location: 19q13.2.
Variant type: single nucleotide variant.
Coding change: c.13898T>C on transcript NM_000540.3 (MANE Select); coding-DNA position 13898, T replaced by C.
Protein change: p.Leu4633Pro; replaces leucine 4633 with proline.
Molecular consequence: missense variant.
Genome position (GRCh38, 1-based): chr19:38,572,170, T>C. VCF-style: chr19-38572170-T-C. GRCh37 (hg19) VCF-style: chr19-39062810-T-C.
Other names: c.13883T>C, p.Leu4628Pro (NM_001042723.2); short protein forms L4633P, L4628P.
Identifiers: ClinVar variation 478191 (VCV000478191.8), dbSNP rs1555801874, ClinGen allele CA405680920.

ClinVar aggregate classification (germline): Likely pathogenic (1 of 4 stars; one submission).

Conditions:
RYR1-related disorder. Also called: RYR1-related condition; RYR1-related disorders. Identifiers: MedGen CN239331.

Submission:

Labcorp Genetics (formerly Invitae), Labcorp
Classification: Likely pathogenic for RYR1-related disorder. Last evaluated: 2017-04-21. Review status: criteria provided, single submitter. Criteria: Invitae Variant Classification Sherloc (09022015). Collection method: clinical testing. Allele origin: germline.
Comment: In summary, this variant is a novel missense change that has been observed to arise de novo in a single affected individual. This evidence indicates that the variant is pathogenic, but additional data is needed to prove that conclusively. Therefore, this variant has been classified as Likely Pathogenic. This sequence change is located in the C-terminal mutational hotspot of the RYR1 protein where a significant number of previously reported RYR1 missense mutations are found (PMID: 16084090). Algorithms developed to predict the effect of missense changes on protein structure and function do not agree on the potential impact of this missense change (SIFT: "Deleterious"; PolyPhen-2: "Probably Damaging"; Align-GVGD: "Class C0"). This variant is not present in population databases (ExAC no frequency) and has not been reported in the literature in individuals with a RYR1-related disease. This sequence change replaces leucine with proline at codon 4633 of the RYR1 protein (p.Leu4633Pro). The leucine residue is highly conserved and there is a moderate physicochemical difference between leucine and proline.

Literature cited by the submitters: PubMed 16084090.